The following is an entry in ClinVar:

NM_001197104.2(KMT2A):c.10804T>C (p.Ser3602Pro)

Gene: KMT2A (lysine methyltransferase 2A; plus strand). Cytogenetic location: 11q23.3.
Variant type: single nucleotide variant.
Coding change: c.10804T>C on transcript NM_001197104.2 (MANE Select); coding-DNA position 10804, T replaced by C.
Protein change: p.Ser3602Pro; replaces serine 3602 with proline.
Molecular consequence: missense variant.
Genome position (GRCh38, 1-based): chr11:118,507,578, T>C. VCF-style: chr11-118507578-T-C. GRCh37 (hg19) VCF-style: chr11-118378293-T-C.
Other names: c.10894T>C, p.Ser3632Pro (NM_001412597.1); c.10795T>C, p.Ser3599Pro (NM_005933.4); short protein forms S3599P, S3602P, S3632P.
Identifiers: ClinVar variation 3360177 (VCV003360177.1).

ClinVar aggregate classification (germline): Uncertain significance (1 of 4 stars; one submission).

gnomAD v4.1: 1 of 1,614,136 alleles (0.000062%); highest among the groups gnomAD compares: East Asian, 0.0022%; no homozygotes.

Submission:

GeneDx
Classification: Uncertain significance. Last evaluated: 2023-06-27. Review status: criteria provided, single submitter. Criteria: GeneDx Variant Classification Process June 2021. Collection method: clinical testing. Allele origin: germline. Affected: yes.
Comment: In silico analysis supports that this missense variant does not alter protein structure/function; Has not been previously published as pathogenic or benign to our knowledge